The following is an entry in ClinVar:

ClinVar aggregate classification (germline): Likely benign. Review status: criteria provided, multiple submitters, no conflicts (2 of 4 stars). 2 submissions from 2 submitters: Likely benign (2). Last evaluated 2024-02-23.

Conditions:
Aortic valve disease 2 (AOVD2). Identifiers: MedGen C3542024, MONDO:0013902, OMIM 614823.

Allele frequency attached by ClinVar (database versions not stated): gnomAD 0.00001; TOPMed 0.00001; ExAC 0.00002; ESP Exome Variant Server 0.00008.
gnomAD v4.1: 21 of 1,613,420 alleles (0.0013%); highest among the groups gnomAD compares: Non-Finnish European, 0.0015%; no homozygotes.

Submissions (2):

Labcorp Genetics (formerly Invitae), Labcorp
Classification: Likely benign for Aortic valve disease 2. Last evaluated: 2024-02-23. Review status: criteria provided, single submitter. Criteria: Invitae Variant Classification Sherloc (09022015). Collection method: clinical testing. Allele origin: germline.

CeGaT Center for Human Genetics Tuebingen
Classification: Likely benign. Last evaluated: 2022-03-01. Review status: criteria provided, single submitter. Criteria: CeGaT Center For Human Genetics Tuebingen Variant Classification Criteria Version 2. Collection method: clinical testing. Allele origin: germline. Affected: yes. Observed: 1 variant allele.
Comment: TBX5: BP4, BP7

NM_181486.4(TBX5):c.982+14C>T

Gene: TBX5 (T-box transcription factor 5; minus strand). Cytogenetic location: 12q24.21.
Variant type: single nucleotide variant.
Coding change: c.982+14C>T on transcript NM_181486.4 (MANE Select); 14 bases into the intron after coding-DNA position 982, C replaced by T.
Molecular consequence: intron variant.
Genome position (GRCh38, 1-based): chr12:114,366,151, G>A on the plus strand (C>T on the coding strand, the complement: TBX5 is on the minus strand). VCF-style: chr12-114366151-G-A. GRCh37 (hg19) VCF-style: chr12-114803956-G-A.
Other names: c.982+14C>T (NM_000192.3); c.832+14C>T (NM_080717.4).
Identifiers: ClinVar variation 2643355 (VCV002643355.27), dbSNP rs377223201, ClinGen allele CA6809461.